The following is an entry in ClinVar:

NM_006502.3(POLH):c.1318_1322del (p.Ile440fs)

Gene: POLH (DNA polymerase eta; plus strand). Cytogenetic location: 6p21.1.
Variant type: Deletion.
Coding change: c.1318_1322del on transcript NM_006502.3 (MANE Select); coding-DNA positions 1318 to 1322, 5 bases deleted (ATCAC; older notation c.1318_1322delATCAC).
Protein change: p.Ile440fs; shifts the reading frame from isoleucine 440.
Molecular consequence: frameshift variant. On other transcripts: no sequence alteration (1).
Genome position (GRCh38, 1-based): chr6:43,613,733-43,613,737, ATCAC deleted; deleting any 5 consecutive bases within chr6:43,613,731-43,613,737 gives the same sequence; the c. name uses the placement nearest the transcript's 3' end. VCF-style (leftmost placement, unchanged base first): chr6-43613730-GACATC-G. GRCh37 (hg19) VCF-style: chr6-43581467-GACATC-G.
Other names: c.946_950del, p.Ile316fs (NM_001291969.2); c.*2_*6del, p.Ter415= (NM_001291970.2); c.1318_1322delATCAC, p.Ile440Glnfs (NM_006502.2); short protein forms I316fs, I440fs.
Identifiers: ClinVar variation 449225 (VCV000449225.7), dbSNP rs1554141842, ClinGen allele CA658657596.
Genomic context (GRCh38, chr6:43,613,730, plus strand): 5'-CTCACAATGCTTTTCCTCTGTGCTACAAAATTTTCTGCCTCTGCCCCTTCATCTTCTACA[GACATC>G]ACCAGCTTCTTGAGCAGTGACCCAAGTTCTCTGCCAAAGGTGCCAGTTACCAGCTCAGAA-3'

ClinVar aggregate classification (germline): Pathogenic/Likely pathogenic. Review status: criteria provided, multiple submitters, no conflicts (2 of 4 stars). 2 submissions from 2 submitters: Pathogenic (1); Likely pathogenic (1). Last evaluated 2025-10-06.

Conditions:
POLH-related disorder. Also called: POLH-related condition.

Submissions (2):

PreventionGenetics, part of Exact Sciences
Classification: Likely pathogenic for POLH-related condition. Last evaluated: 2025-10-06. Review status: criteria provided, single submitter. Criteria: ACMG Guidelines, 2015. Collection method: clinical testing. Allele origin: germline.
Comment: The POLH c.1318_1322del5 variant is predicted to result in a frameshift and premature protein termination (p.Ile440Glnfs*6). This variant was reported in the homozygous state in an individual with an unspecified phenotype in a large scale study of individuals with suspected Mendelian disease (Supplementary Table 1, Al-Dewik et al. 2019. PubMed ID: 30919572). This variant has not been reported in a large population database (gnomAD), indicating this variant is rare. Frameshift variants in POLH are expected to be pathogenic. This variant is interpreted as likely pathogenic.

GeneDx
Classification: Pathogenic. Last evaluated: 2022-04-08. Review status: criteria provided, single submitter. Criteria: GeneDx Variant Classification Process June 2021. Collection method: clinical testing. Allele origin: germline. Affected: yes.
Comment: Frameshift variant predicted to result in protein truncation or nonsense mediated decay in a gene for which loss of function is a known mechanism of disease; Not observed at significant frequency in large population cohorts (gnomAD); This variant is associated with the following publications: (PMID: 30919572)